The following is an entry in ClinVar:

ClinVar aggregate classification (germline): Uncertain significance. Review status: criteria provided, multiple submitters, no conflicts (2 of 4 stars). 3 submissions from 3 submitters: Uncertain significance (3). Last evaluated 2025-03-03.

Conditions:
Ullrich congenital muscular dystrophy 2 (UCMD2). Identifiers: Orphanet 75840, MedGen C4225314, MONDO:0014654, OMIM 616470.
Bethlem myopathy 2 (BTHLM2). Identifiers: Orphanet 536516, Orphanet 610, MedGen C4225313, MONDO:0034022, OMIM 616471.
Inborn genetic diseases. Identifiers: MedGen C0950123, MeSH D030342.

Allele frequency attached by ClinVar (database versions not stated): TOPMed below 0.00001.
gnomAD v4.1: 8 of 1,613,782 alleles (0.0005%); highest among the groups gnomAD compares: Middle Eastern, 0.066%; no homozygotes.

Submissions (3):

Ambry Genetics
Classification: Uncertain significance for Inborn genetic diseases. Last evaluated: 2025-03-03. Review status: criteria provided, single submitter. Criteria: Ambry Variant Classification Scheme 2023. Collection method: clinical testing. Allele origin: germline.

Centre for Mendelian Genomics, University Medical Centre Ljubljana
Classification: Uncertain significance for Bethlem myopathy 2. Last evaluated: 2019-08-14. Review status: criteria provided, single submitter. Criteria: ACMG Guidelines, 2015. Collection method: clinical testing. Allele origin: unknown. Affected: yes.
Comment: This variant was classified as: Uncertain significance. The available evidence on this variant's pathogenicity is insufficient or conflicting. The following ACMG criteria were applied in classifying this variant: PM2,PP3.

Labcorp Genetics (formerly Invitae), Labcorp
Classification: Uncertain significance for Bethlem myopathy 2; Ullrich congenital muscular dystrophy 2. Last evaluated: 2018-04-19. Review status: criteria provided, single submitter. Criteria: Invitae Variant Classification Sherloc (09022015). Collection method: clinical testing. Allele origin: germline.
Comment: In summary, the available evidence is currently insufficient to determine the role of this variant in disease. Therefore, it has been classified as a Variant of Uncertain Significance. Algorithms developed to predict the effect of missense changes on protein structure and function do not agree on the potential impact of this missense change (SIFT: "Tolerated"; PolyPhen-2: "Probably Damaging"; Align-GVGD: "Class C0"). This variant has not been reported in the literature in individuals with COL12A1-related disease. This variant is not present in population databases (ExAC no frequency). This sequence change replaces isoleucine with valine at codon 2482 of the COL12A1 protein (p.Ile2482Val). The isoleucine residue is highly conserved and there is a small physicochemical difference between isoleucine and valine.

NM_004370.6(COL12A1):c.7444A>G (p.Ile2482Val)

Gene: COL12A1 (collagen type XII alpha 1 chain; minus strand). Cytogenetic location: 6q13.
Variant type: single nucleotide variant.
Coding change: c.7444A>G on transcript NM_004370.6 (MANE Select); coding-DNA position 7444, A replaced by G.
Protein change: p.Ile2482Val; replaces isoleucine 2482 with valine.
Molecular consequence: missense variant.
Genome position (GRCh38, 1-based): chr6:75,117,457, T>C on the plus strand (A>G on the coding strand, the complement: COL12A1 is on the minus strand). VCF-style: chr6-75117457-T-C. GRCh37 (hg19) VCF-style: chr6-75827173-T-C.
Other names: c.3952A>G, p.Ile1318Val (NM_080645.3); short protein forms I2482V, I1318V.
Identifiers: ClinVar variation 931555 (VCV000931555.13), dbSNP rs1769138600, ClinGen allele CA364746510.
Genomic context (GRCh38, chr6:75,117,457, plus strand): 5'-CACAAACAAATGTAATAAGATTGTCTTCGATCTTCTCAAAAGATTCAAAGTCGTCCACAA[T>C]GAACACGTGCCGTTCACTTGGTTTGCTGGCAATGTTGGCAAGCTCATTGTAGTCGACATC-3'
Protein context (NP_004361.3, residues 2472-2492): ASKPSERHVF[Ile2482Val]VDDFESFEKI